The following is an entry in ClinVar:

NM_020822.3(KCNT1):c.385C>A (p.Leu129Ile)

Gene: KCNT1 (potassium sodium-activated channel subfamily T member 1; plus strand). Cytogenetic location: 9q34.3.
Variant type: single nucleotide variant.
Coding change: c.385C>A on transcript NM_020822.3 (MANE Select); coding-DNA position 385, C replaced by A.
Protein change: p.Leu129Ile; replaces leucine 129 with isoleucine.
Molecular consequence: missense variant.
Genome position (GRCh38, 1-based): chr9:135,750,992, C>A. VCF-style: chr9-135750992-C-A. GRCh37 (hg19) VCF-style: chr9-138642838-C-A.
Other names: c.241C>A, p.Leu81Ile (NM_001272003.2); short protein forms L129I, L81I.
Identifiers: ClinVar variation 567928 (VCV000567928.47), dbSNP rs1402206752, ClinGen allele CA375494987.
Genomic context (GRCh38, chr9:135,750,992, plus strand): 5'-CTCCCCGCAGGCCTGAGGATCCGGCTGTTCAACTTCTCCCTGAAGCTGCTCACCTGCCTG[C>A]TCTACATTGTGCGCGTCCTGCTCGATGACCCGGCCCTGGGCATCGGATGGTGGGCCACGT-3'
Protein context (NP_065873.2, residues 119-139): NFSLKLLTCL[Leu129Ile]YIVRVLLDDP

ClinVar aggregate classification (germline): Uncertain significance. Review status: criteria provided, multiple submitters, no conflicts (2 of 4 stars). 5 submissions from 4 submitters: Uncertain significance (5). Last evaluated 2023-09-06.

Conditions:
Developmental and epileptic encephalopathy, 14 (DEE14). Also called: Early infantile epileptic encephalopathy 14. Identifiers: Orphanet 293181, MedGen C3554195, MONDO:0013989, OMIM 614959.
Autosomal dominant nocturnal frontal lobe epilepsy 5. Also called: Epilepsy, nocturnal frontal lobe, 5; KCNT1-Related Epilepsy; CILIARY DYSKINESIA, PRIMARY, 28, WITHOUT SITUS INVERSUS; CILIARY DYSKINESIA, PRIMARY, 28, WITH SITUS INVERSUS. Identifiers: Orphanet 98784, MedGen C3554306, MONDO:0014002, OMIM 615005.

Allele frequency attached by ClinVar (database versions not stated): TOPMed below 0.00001.
gnomAD v4.1: 2 of 1,613,234 alleles (0.00012%); highest among the groups gnomAD compares: Non-Finnish European, 0.00017%; no homozygotes.

Submissions (5):

Blueprint Genetics
Classification: Uncertain significance. Last evaluated: 2023-09-06. Review status: criteria provided, single submitter. Criteria: ACMG Guidelines, 2015. Collection method: clinical testing. Allele origin: germline.

Genome-Nilou Lab
Classification: Uncertain significance for Developmental and epileptic encephalopathy, 14. Last evaluated: 2022-03-15. Review status: criteria provided, single submitter. Criteria: ACMG Guidelines, 2015. Collection method: clinical testing. Allele origin: germline. Affected: no.

Genome-Nilou Lab
Classification: Uncertain significance for Autosomal dominant nocturnal frontal lobe epilepsy 5. Last evaluated: 2022-03-15. Review status: criteria provided, single submitter. Criteria: ACMG Guidelines, 2015. Collection method: clinical testing. Allele origin: germline. Affected: no.

CeGaT Center for Human Genetics Tuebingen
Classification: Uncertain significance. Last evaluated: 2021-03-01. Review status: criteria provided, single submitter. Criteria: CeGaT Center For Human Genetics Tuebingen Variant Classification Criteria Version 2. Collection method: clinical testing. Allele origin: germline. Affected: yes. Observed: 2 variant alleles.

Labcorp Genetics (formerly Invitae), Labcorp
Classification: Uncertain significance for Autosomal dominant nocturnal frontal lobe epilepsy 5; Developmental and epileptic encephalopathy, 14. Last evaluated: 2021-02-20. Review status: criteria provided, single submitter. Criteria: Invitae Variant Classification Sherloc (09022015). Collection method: clinical testing. Allele origin: germline.
Comment: In summary, the available evidence is currently insufficient to determine the role of this variant in disease. Therefore, it has been classified as a Variant of Uncertain Significance. Algorithms developed to predict the effect of missense changes on protein structure and function do not agree on the potential impact of this missense change (SIFT: "Deleterious"; PolyPhen-2: "Possibly Damaging"; Align-GVGD: "Class C0"). This variant has not been reported in the literature in individuals with KCNT1-related disease. This variant is not present in population databases (ExAC no frequency). This sequence change replaces leucine with isoleucine at codon 129 of the KCNT1 protein (p.Leu129Ile). The leucine residue is highly conserved and there is a small physicochemical difference between leucine and isoleucine.